The following is an entry in ClinVar:

ClinVar aggregate classification (germline): Uncertain significance. Review status: criteria provided, multiple submitters, no conflicts (2 of 4 stars). 3 submissions from 3 submitters: Uncertain significance (3). Last evaluated 2025-03-18.

Allele frequency attached by ClinVar (database versions not stated): gnomAD 0.00004 and 0.00005; gnomAD exomes 0.00006; ExAC 0.00007; ESP Exome Variant Server 0.00008; TOPMed 0.00009.
gnomAD v4.1: 83 of 1,612,486 alleles (0.0051%); highest among the groups gnomAD compares: East Asian, 0.02%; no homozygotes.

Submissions (3):

Labcorp Genetics (formerly Invitae), Labcorp
Classification: Uncertain significance. Last evaluated: 2025-03-18. Review status: criteria provided, single submitter. Criteria: Invitae Variant Classification Sherloc (09022015). Collection method: clinical testing. Allele origin: germline.
Comment: This sequence change replaces arginine, which is basic and polar, with glutamine, which is neutral and polar, at codon 515 of the MKL1 protein (p.Arg515Gln). This variant is present in population databases (rs376096085, gnomAD 0.04%). This variant has not been reported in the literature in individuals affected with MKL1-related conditions. ClinVar contains an entry for this variant (Variation ID: 1062176). An algorithm developed to predict the effect of missense changes on protein structure and function (PolyPhen-2) suggests that this variant is likely to be disruptive. In summary, the available evidence is currently insufficient to determine the role of this variant in disease. Therefore, it has been classified as a Variant of Uncertain Significance.

Ambry Genetics
Classification: Uncertain significance. Last evaluated: 2025-02-22. Review status: criteria provided, single submitter. Criteria: Ambry Variant Classification Scheme 2023. Collection method: clinical testing. Allele origin: germline.

Blueprint Genetics
Classification: Uncertain significance. Last evaluated: 2021-09-26. Review status: criteria provided, single submitter. Criteria: ACMG Guidelines, 2015. Collection method: clinical testing. Allele origin: germline.

NM_020831.6(MRTFA):c.1844G>A (p.Arg615Gln)

Gene: MRTFA (myocardin related transcription factor A; minus strand). Cytogenetic location: 22q13.1.
Variant type: single nucleotide variant.
Coding change: c.1844G>A on transcript NM_020831.6 (MANE Select); coding-DNA position 1844, G replaced by A.
Protein change: p.Arg615Gln; replaces arginine 615 with glutamine.
Molecular consequence: missense variant.
Genome position (GRCh38, 1-based): chr22:40,418,894, C>T on the plus strand (G>A on the coding strand, the complement: MRTFA is on the minus strand). VCF-style: chr22-40418894-C-T. GRCh37 (hg19) VCF-style: chr22-40814898-C-T.
Other names: c.1544G>A, p.Arg515Gln (NM_001282660.2); c.1694G>A, p.Arg565Gln (NM_001282661.3); c.1844G>A, p.Arg615Gln (NM_001282662.3); c.1649G>A, p.Arg550Gln (NM_001318139.2); c.1544G>A (NM_020831.3); short protein forms R515Q, R550Q, R565Q, R615Q.
Identifiers: ClinVar variation 1062176 (VCV001062176.11), dbSNP rs376096085, ClinGen allele CA10249521.
Genomic context (GRCh38, chr22:40,418,894, plus strand): 5'-TCGATCTGCTTGTCTTTCTCCTGCAGCATCTGGTCCTTGTCGCGCCCCTCTAGCTCCGCC[C>T]GCCCCCCAGGGCTCAGGCAACAGGACCCGGCCCGGGGGCCCTCCTCCTTCACGAGGATCT-3'
Protein context (NP_065882.2, residues 605-625): AGSCCLSPGG[Arg615Gln]AELEGRDKDQ